The following is an entry in ClinVar:

ClinVar aggregate classification (germline): Uncertain significance (1 of 4 stars; one submission).

Submission:

GeneDx
Classification: Uncertain significance. Last evaluated: 2026-02-17. Review status: criteria provided, single submitter. Criteria: GeneDx Variant Classification Process June 2021. Collection method: clinical testing. Allele origin: germline.
Comment: Not observed at significant frequency in large population cohorts (gnomAD); In silico analysis supports that this missense variant has a deleterious effect on protein structure/function; Has not been previously published as pathogenic or benign to our knowledge

NM_000883.4(IMPDH1):c.1795T>A (p.Tyr599Asn)

Gene: IMPDH1 (inosine monophosphate dehydrogenase 1; minus strand). Cytogenetic location: 7q32.1.
Variant type: single nucleotide variant.
Coding change: c.1795T>A on transcript NM_000883.4 (MANE Select); coding-DNA position 1795, T replaced by A.
Protein change: p.Tyr599Asn; replaces tyrosine 599 with asparagine.
Molecular consequence: missense variant.
Genome position (GRCh38, 1-based): chr7:128,393,012, A>T on the plus strand (T>A on the coding strand, the complement: IMPDH1 is on the minus strand). VCF-style: chr7-128393012-A-T. GRCh37 (hg19) VCF-style: chr7-128033066-A-T.
Other names: c.1765T>A, p.Tyr589Asn (NM_001102605.2); c.1540T>A, p.Tyr514Asn (NM_001142573.2); c.1525T>A, p.Tyr509Asn (NM_001142574.2); c.1465T>A, p.Tyr489Asn (NM_001142575.2); c.1696T>A, p.Tyr566Asn (NM_001142576.2); c.1588T>A, p.Tyr530Asn (NM_001304521.2); c.1687T>A, p.Tyr563Asn (NM_183243.3); short protein forms Y489N, Y509N, Y514N, Y530N, Y563N, Y566N, Y589N, Y599N.
Identifiers: ClinVar variation 4976457 (VCV004976457.1).
Genomic context (GRCh38, chr7:128,393,012, plus strand): 5'-CAAAAGTGGACACTGGGGTGCATCCCCTCCACCACCTCGGCCTCCACCGCTGTCCTCAGT[A>T]CAGCCGCTTTTCGTAACTGTGGGGACAAGGCAAGAGGGGGAACAAGAGTGGGTGTGTGGA-3'
Protein context (NP_000874.2, residues 589-599): HGLHSYEKRL[Tyr599Asn]